The following is an entry in ClinVar:

NM_003611.3(OFD1):c.1056-3C>G

Gene: OFD1 (OFD1 centriole and centriolar satellite protein; plus strand). Cytogenetic location: Xp22.2.
Variant type: single nucleotide variant.
Coding change: c.1056-3C>G on transcript NM_003611.3 (MANE Select); 3 bases into the intron before coding-DNA position 1056, C replaced by G.
Molecular consequence: intron variant.
Genome position (GRCh38, 1-based): chrX:13,753,365, C>G. VCF-style: chrX-13753365-C-G. GRCh37 (hg19) VCF-style: chrX-13771484-C-G.
Other names: c.636-3C>G (NM_001330210.2); c.936-3C>G (NM_001330209.2).
Identifiers: ClinVar variation 2025755 (VCV002025755.4), dbSNP rs2518885667, ClinGen allele CA2580100353.
Genomic context (GRCh38, chrX:13,753,365, plus strand): 5'-ACTGATAACAGTCTTTCCAGAAAAATGCCTGAGGAGCTCATATTTAGTCATTCTGATTCT[C>G]AGGTATCAACTTGAACTGAAGGATGACTACATCATTAGAACTAATCGACTGATTGAAGAT-3'

ClinVar aggregate classification (germline): Uncertain significance (1 of 4 stars; one submission).

Conditions:
Joubert syndrome. Also called: CEREBELLOPARENCHYMAL DISORDER IV; JOUBERT-BOLTSHAUSER SYNDROME; Familial aplasia of the vermis. Identifiers: Orphanet 475, MedGen C5979921, MONDO:0018772.
Orofaciodigital syndrome I (OFD1). Also called: OFDS I; Papillon-Leage and Psaume Syndrome; Oral-Facial-Digital Syndrome Type I. Identifiers: Orphanet 2750, MedGen C1510460, MONDO:0010702, OMIM 311200.

Submission:

Labcorp Genetics (formerly Invitae), Labcorp
Classification: Uncertain significance for Orofaciodigital syndrome I; Joubert syndrome. Last evaluated: 2022-08-21. Review status: criteria provided, single submitter. Criteria: Invitae Variant Classification Sherloc (09022015). Collection method: clinical testing. Allele origin: germline.
Comment: In summary, the available evidence is currently insufficient to determine the role of this variant in disease. Therefore, it has been classified as a Variant of Uncertain Significance. Variants that disrupt the consensus splice site are a relatively common cause of aberrant splicing (PMID: 17576681, 9536098). Algorithms developed to predict the effect of sequence changes on RNA splicing suggest that this variant may disrupt the consensus splice site. This variant has not been reported in the literature in individuals affected with OFD1-related conditions. This variant is not present in population databases (gnomAD no frequency). This sequence change falls in intron 10 of the OFD1 gene. It does not directly change the encoded amino acid sequence of the OFD1 protein. It affects a nucleotide within the consensus splice site.

Literature cited by the submitters: PubMed 17576681; PubMed 9536098.